The following is an entry in ClinVar:

NM_001032382.2(PQBP1):c.721del (p.Gln241fs)

Gene: PQBP1 (polyglutamine binding protein 1; plus strand). Cytogenetic location: Xp11.23.
Variant type: Deletion.
Coding change: c.721del on transcript NM_001032382.2 (MANE Select); coding-DNA position 721, one base deleted (C; older notation c.721delC).
Protein change: p.Gln241fs; shifts the reading frame from glutamine 241.
Molecular consequence: frameshift variant.
Genome position (GRCh38, 1-based): chrX:48,903,007, C deleted; the last of 2 consecutive C bases (chrX:48,903,006-48,903,007); deleting either gives the same sequence. VCF-style (leftmost placement, unchanged base first): chrX-48903005-TC-T. GRCh37 (hg19) VCF-style: chrX-48760282-TC-T.
Other names: c.721del, p.Gln241fs (NM_001032381.2, NM_001032383.2, NM_001032384.1 and 1 more transcripts); c.718del, p.Gln240fs (NM_001167989.2); c.697del, p.Gln233fs (NM_001167990.2); c.421del, p.Gln141fs (NM_001167992.1); c.436del, p.Gln146fs (NM_144495.3); c.721delC (NM_001032382.2); short protein forms Q141fs, Q146fs, Q233fs, Q240fs, Q241fs.
Identifiers: ClinVar variation 2443062 (VCV002443062.1), dbSNP rs2519629641, ClinGen allele CA2580101071.
Genomic context (GRCh38, chrX:48,903,005, plus strand): 5'-GACTCCCCAAGCGGAATGAGGCCAAGACTGGCGCTGACACCACAGCAGCTGGGCCCCTCT[TC>T]CAGCAGCGGCCGTATCCATCCCCAGGGGCTGTGCTCCGGGCCAATGCAGAGGCCTCCCGA-3'

ClinVar aggregate classification (germline): Likely pathogenic (1 of 4 stars; one submission).

Conditions:
Renpenning syndrome. Also called: MENTAL RETARDATION, X-LINKED 55; MENTAL RETARDATION, X-LINKED, SYNDROMIC 8; SUTHERLAND-HAAN X-LINKED MENTAL RETARDATION SYNDROME; GOLABI-ITO-HALL SYNDROME; Mental retardation, X-linked Renpenning type; X-linked mental retardation with spastic diplegia. Identifiers: Orphanet 3242, MedGen C0796135, MONDO:0010653, OMIM 309500.

Submission:

Johns Hopkins Genomics, Johns Hopkins University
Classification: Likely pathogenic for Renpenning syndrome. Last evaluated: 2022-11-21. Review status: criteria provided, single submitter. Criteria: ACMG Guidelines, 2015. Collection method: clinical testing. Allele origin: germline.
Comment: This PQBP1 variant is absent from a large population dataset and has not been reported in ClinVar or the literature, to our knowledge. This frameshift variant is predicted to lead to a premature stop codon (PTC) in the last exon of the gene, likely escaping nonsense-mediated decay and resulting in a truncated protein product. The C-terminal YxxPxxVL motif, predicted to be disrupted in the truncated protein, has an important role in pre-mRNA splicing though direct interaction with TXNL4A. We consider c.721delC (p.Gln241fs) to be likely pathogenic.

Literature cited by the submitters: PubMed 14634649; PubMed 15355434; PubMed 20950397; PubMed 24781215; PubMed 32041777; PubMed 34470565.